The following is an entry in ClinVar:

NM_017947.4(MOCOS):c.1767_1768del (p.Tyr590fs)

Gene: MOCOS (molybdenum cofactor sulfurase; plus strand). Cytogenetic location: 18q12.2.
Variant type: Microsatellite.
Coding change: c.1767_1768del on transcript NM_017947.4 (MANE Select); coding-DNA positions 1767 to 1768, 2 bases deleted (CT; older notation c.1767_1768delCT).
Protein change: p.Tyr590fs; shifts the reading frame from tyrosine 590.
Molecular consequence: frameshift variant.
Genome position (GRCh38, 1-based): chr18:36,215,947-36,215,948, CT deleted; deleting any 2 consecutive bases within chr18:36,215,944-36,215,948 gives the same sequence; the c. name uses the placement nearest the transcript's 3' end. VCF-style (leftmost placement, unchanged base first): chr18-36215943-ATC-A. GRCh37 (hg19) VCF-style: chr18-33795906-ATC-A.
Other names: short protein forms Y590fs.
Identifiers: ClinVar variation 1969820 (VCV001969820.5), dbSNP rs2510966451, ClinGen allele CA2580612981.

ClinVar aggregate classification (germline): Pathogenic (1 of 4 stars; one submission).

Conditions:
Xanthinuria type II. Also called: Xanthine dehydrogenase and aldehyde oxidase combined deficiency of; XDH and AOX dual deficiency. Identifiers: Orphanet 3467, Orphanet 93602, MedGen C1863688, MONDO:0011346, OMIM 603592.

Submission:

Labcorp Genetics (formerly Invitae), Labcorp
Classification: Pathogenic for Xanthinuria type II. Last evaluated: 2022-05-12. Review status: criteria provided, single submitter. Criteria: Invitae Variant Classification Sherloc (09022015). Collection method: clinical testing. Allele origin: germline.
Comment: For these reasons, this variant has been classified as Pathogenic. This variant has not been reported in the literature in individuals affected with MOCOS-related conditions. This variant is not present in population databases (gnomAD no frequency). This sequence change creates a premature translational stop signal (p.Tyr590Serfs*9) in the MOCOS gene. It is expected to result in an absent or disrupted protein product. Loss-of-function variants in MOCOS are known to be pathogenic (PMID: 11302742, 17368066).

Literature cited by the submitters: PubMed 11302742; PubMed 17368066.